The following is an entry in ClinVar:

NM_001127671.2(LIFR):c.*1474T>G

Gene: LIFR (LIF receptor subunit alpha; minus strand). Cytogenetic location: 5p13.1.
Variant type: single nucleotide variant.
Coding change: c.*1474T>G on transcript NM_001127671.2 (MANE Select); 1474 bases downstream of the stop codon, T replaced by G.
Molecular consequence: 3 prime UTR variant.
Genome position (GRCh38, 1-based): chr5:38,480,121, A>C on the plus strand (T>G on the coding strand, the complement: LIFR is on the minus strand). VCF-style: chr5-38480121-A-C. GRCh37 (hg19) VCF-style: chr5-38480223-A-C.
Other names: NC_000005.9:g.38480223A>C; c.*1474T>G (NM_001364297.2, NM_001364298.2, NM_002310.6).
Identifiers: ClinVar variation 907332 (VCV000907332.30), dbSNP rs567565130, ClinGen allele CA117132932.
Genomic context (GRCh38, chr5:38,480,121, plus strand): 5'-AAAAATTAATTGATCCATTATTTGCAAATACATTACAGAATCTCAGATGATAAAAAACAA[A>C]CAAACAACCAAAAAAAACAAACAAAAAAGACATATCTTATTCGGACACTTAAAATTTTCA-3'

ClinVar aggregate classification (germline): Conflicting classifications of pathogenicity. Review status: criteria provided, conflicting classifications (1 of 4 stars). 3 submissions from 3 submitters: Uncertain significance (2); Likely benign (1). Last evaluated 2022-12-01.

Conditions:
Stuve-Wiedemann syndrome (STWS). Also called: Stüve-Wiedemann syndrome. Identifiers: Orphanet 3206, MedGen C0796176, MONDO:0031280.

Allele frequency attached by ClinVar (database versions not stated): 1000 Genomes Project 30x 0.00156; 1000 Genomes Project 0.00180; TOPMed 0.00420; gnomAD 0.00421 and 0.00432; gnomAD exomes 0.00680.
gnomAD v4.1: 1,174 of 228,572 alleles (0.51%); highest among the groups gnomAD compares: South Asian, 0.69%; 5 homozygotes.

Submissions (4):

CeGaT Center for Human Genetics Tuebingen
Classification: Likely benign. Last evaluated: 2022-12-01. Review status: criteria provided, single submitter. Criteria: CeGaT Center For Human Genetics Tuebingen Variant Classification Criteria Version 2. Collection method: clinical testing. Allele origin: germline. Affected: yes. Observed: 2 variant alleles.
Comment: LIFR: BS2

Illumina Laboratory Services, Illumina
Classification: Uncertain significance for Stüve-Wiedemann syndrome 1. Last evaluated: 2018-01-13. Review status: criteria provided, single submitter. Criteria: ICSL Variant Classification Criteria 13 December 2019. Collection method: clinical testing. Allele origin: germline.

Breakthrough Genomics
Classification: Uncertain significance. Review status: criteria provided, single submitter. Criteria: ACMG Guidelines, 2015. Collection method: not provided. Allele origin: germline. Inheritance: Autosomal recessive inheritance. Affected: yes.

Dr. Peter K. Rogan Lab, Western University
No classification provided (evidence only). Condition: Ovarian serous cystadenocarcinoma. Review status: no classification provided. Collection method: in vitro. Allele origin: not applicable. Functional consequence: retained intron. Not counted in ClinVar's aggregate classification.